The following is an entry in ClinVar:

NM_015910.7(WDPCP):c.1094A>G (p.Glu365Gly)

Gene: WDPCP (WD repeat containing planar cell polarity effector; minus strand). Cytogenetic location: 2p15.
Variant type: single nucleotide variant.
Coding change: c.1094A>G on transcript NM_015910.7 (MANE Select); coding-DNA position 1094, A replaced by G.
Protein change: p.Glu365Gly; replaces glutamic acid 365 with glycine.
Molecular consequence: missense variant. On other transcripts: non-coding transcript variant (3).
Genome position (GRCh38, 1-based): chr2:63,404,389, T>C on the plus strand (A>G on the coding strand, the complement: WDPCP is on the minus strand). VCF-style: chr2-63404389-T-C. GRCh37 (hg19) VCF-style: chr2-63631524-T-C.
Other names: c.617A>G, p.Glu206Gly (NM_001042692.3); c.1022A>G, p.Glu341Gly (NM_001354044.2); c.1094A>G, p.Glu365Gly (NM_001354045.2); short protein forms E365G, E206G, E341G.
Identifiers: ClinVar variation 336766 (VCV000336766.22), dbSNP rs201662623, ClinGen allele CA1682288.
Genomic context (GRCh38, chr2:63,404,389, plus strand): 5'-CAGCTTATTAATGAAGGCAAAAGTTCAGTCTGTGCTAAGAGAGTCACTCTACGGTGAGTT[T>C]CATAAAGAATTAGCGAAGAATCTTCACAGCCCAGAATCAGTTTGTCTTCAGTAACATTCC-3'
Protein context (NP_056994.3, residues 355-375): GCEDSSLILY[Glu365Gly]THRRVTLLAQ

ClinVar aggregate classification (germline): Uncertain significance. Review status: criteria provided, multiple submitters, no conflicts (2 of 4 stars). 7 submissions from 7 submitters: Uncertain significance (6). 1 of the submissions does not count toward it. Last evaluated 2026-05-18.

Conditions:
WDPCP-related disorder. Also called: WDPCP-related condition.
Bardet-Biedl syndrome (BBS). Identifiers: Orphanet 110, MedGen C0752166, MONDO:0015229.
Bardet-Biedl syndrome 15 (BBS15). Identifiers: Orphanet 110, MedGen C3150127, MONDO:0014443, OMIM 615992.
Heart defect - tongue hamartoma - polysyndactyly syndrome. Also called: Congenital heart defects, hamartomas of tongue, and polysyndactyly. Identifiers: Orphanet 1338, MedGen C1857587, MONDO:0009008, OMIM 217085.
Joubert syndrome. Also called: Familial aplasia of the vermis; JOUBERT-BOLTSHAUSER SYNDROME. Identifiers: Orphanet 475, MedGen C5979921, MONDO:0018772.

Allele frequency attached by ClinVar (database versions not stated): ExAC 0.00013; gnomAD exomes 0.00013 and 0.00023; gnomAD 0.00019 and 0.00021; TOPMed 0.00025; ESP Exome Variant Server 0.00050.
gnomAD v4.1: 365 of 1,614,084 alleles (0.023%); highest among the groups gnomAD compares: Non-Finnish European, 0.029%; 1 homozygote.

Submissions (7):

PreventionGenetics, part of Exact Sciences
Classification: Uncertain significance for WDPCP-related condition. Last evaluated: 2026-05-18. Review status: criteria provided, single submitter. Criteria: ACMG Guidelines, 2015. Collection method: clinical testing. Allele origin: germline.
Comment: The WDPCP c.1094A>G variant is predicted to result in the amino acid substitution p.Glu365Gly. This variant has been reported in the heterozygous state in a child with Joubert syndrome; however, the authors did not identify a second plausible pathogenic variant in WDPCP (See Supplemental Table 1 in Toriyama et al. 2016. PubMed ID: 27158779). This variant is reported in 0.021% of alleles in individuals of European (non-Finnish) descent in gnomAD. At this time the clinical significance of this variant is uncertain due to the absence of conclusive functional and genetic evidence.

Labcorp Genetics (formerly Invitae), Labcorp
Classification: Uncertain significance for Bardet-Biedl syndrome. Last evaluated: 2024-11-05. Review status: criteria provided, single submitter. Criteria: Invitae Variant Classification Sherloc (09022015). Collection method: clinical testing. Allele origin: germline.
Comment: This sequence change replaces glutamic acid, which is acidic and polar, with glycine, which is neutral and non-polar, at codon 365 of the WDPCP protein (p.Glu365Gly). This variant is present in population databases (rs201662623, gnomAD 0.02%). This missense change has been observed in individual(s) with cerebellar vermis hypoplasia, ataxia and retinal dystrophy (PMID: 27158779). ClinVar contains an entry for this variant (Variation ID: 336766). Invitae Evidence Modeling of protein sequence and biophysical properties (such as structural, functional, and spatial information, amino acid conservation, physicochemical variation, residue mobility, and thermodynamic stability) indicates that this missense variant is not expected to disrupt WDPCP protein function with a negative predictive value of 80%. In summary, the available evidence is currently insufficient to determine the role of this variant in disease. Therefore, it has been classified as a Variant of Uncertain Significance.

Blueprint Genetics
Classification: Uncertain significance. Last evaluated: 2024-09-10. Review status: criteria provided, single submitter. Criteria: ACMG Guidelines, 2015. Collection method: clinical testing. Allele origin: germline.

GeneDx
Classification: Uncertain significance. Last evaluated: 2022-12-13. Review status: criteria provided, single submitter. Criteria: GeneDx Variant Classification Process June 2021. Collection method: clinical testing. Allele origin: germline. Affected: yes.
Comment: In silico analysis supports that this missense variant has a deleterious effect on protein structure/function; Observed in an individual with Joubert syndrome in published literature, however a second variant was not identified (Toriyama et al., 2016); Variants in candidate genes are classified as variants of uncertain significance in accordance with ACMG guidelines (Richards et al., 2015); This variant is associated with the following publications: (PMID: 27158779)

Fulgent Genetics
Classification: Uncertain significance for Heart defect - tongue hamartoma - polysyndactyly syndrome; Bardet-Biedl syndrome 15. Last evaluated: 2022-03-26. Review status: criteria provided, single submitter. Criteria: ACMG Guidelines, 2015. Collection method: clinical testing. Allele origin: unknown.

Illumina Laboratory Services, Illumina
Classification: Uncertain significance for Bardet-Biedl syndrome 15. Last evaluated: 2018-01-12. Review status: criteria provided, single submitter. Criteria: ICSL Variant Classification Criteria 13 December 2019. Collection method: clinical testing. Allele origin: germline.

University of Washington Center for Mendelian Genomics, University of Washington
Classification: Uncertain significance for Joubert Syndrome. Last evaluated: 2016-05-09. Review status: no assertion criteria provided. Collection method: research. Allele origin: unknown. Affected: yes. Observed: 1 heterozygote. Not counted in ClinVar's aggregate classification.

Literature cited by the submitters: PubMed 27158779 (cited by Labcorp Genetics (formerly Invitae), Labcorp and University of Washington Center for Mendelian Genomics, University of Washington).